The following is an entry in ClinVar:

NM_001144967.3(NEDD4L):c.2893G>A (p.Val965Met)

Gene: NEDD4L (NEDD4 like E3 ubiquitin protein ligase; plus strand). Cytogenetic location: 18q21.31.
Variant type: single nucleotide variant.
Coding change: c.2893G>A on transcript NM_001144967.3 (MANE Select); coding-DNA position 2893, G replaced by A.
Protein change: p.Val965Met; replaces valine 965 with methionine.
Molecular consequence: missense variant.
Genome position (GRCh38, 1-based): chr18:58,396,234, G>A. VCF-style: chr18-58396234-G-A. GRCh37 (hg19) VCF-style: chr18-56063466-G-A.
Other names: c.2530G>A, p.Val844Met (NM_001144964.1, NM_001144965.2, NM_001144966.3); c.2869G>A, p.Val957Met (NM_001144968.2); c.2809G>A, p.Val937Met (NM_001144969.2); c.2470G>A, p.Val824Met (NM_001144970.3, NM_001144971.2); c.2701G>A, p.Val901Met (NM_001243960.2); c.2833G>A, p.Val945Met (NM_015277.6); short protein forms V824M, V844M, V901M, V937M, V945M, V957M, V965M.
Identifiers: ClinVar variation 3623616 (VCV003623616.2).

ClinVar aggregate classification (germline): Uncertain significance (1 of 4 stars; one submission).

gnomAD v4.1: 3 of 1,613,088 alleles (0.00019%); highest among the groups gnomAD compares: Non-Finnish European, 0.00017%; no homozygotes.

Submission:

Labcorp Genetics (formerly Invitae), Labcorp
Classification: Uncertain significance. Last evaluated: 2024-07-09. Review status: criteria provided, single submitter. Criteria: Invitae Variant Classification Sherloc (09022015). Collection method: clinical testing. Allele origin: germline.
Comment: This sequence change replaces valine, which is neutral and non-polar, with methionine, which is neutral and non-polar, at codon 945 of the NEDD4L protein (p.Val945Met). The frequency data for this variant in the population databases is considered unreliable, as metrics indicate poor data quality at this position in the gnomAD database. This variant has not been reported in the literature in individuals affected with NEDD4L-related conditions. Advanced modeling of protein sequence and biophysical properties (such as structural, functional, and spatial information, amino acid conservation, physicochemical variation, residue mobility, and thermodynamic stability) has been performed at Invitae for this missense variant, however the output from this modeling did not meet the statistical confidence thresholds required to predict the impact of this variant on NEDD4L protein function. In summary, the available evidence is currently insufficient to determine the role of this variant in disease. Therefore, it has been classified as a Variant of Uncertain Significance.